The following is an entry in ClinVar:

ClinVar aggregate classification (germline): Uncertain significance (1 of 4 stars; one submission).

Allele frequency attached by ClinVar (database versions not stated): gnomAD exomes below 0.00001; TOPMed 0.00001; gnomAD 0.00004.
gnomAD v4.1: 7 of 1,613,960 alleles (0.00043%); highest among the groups gnomAD compares: African/African-American, 0.0093%; no homozygotes.

Submission:

Labcorp Genetics (formerly Invitae), Labcorp
Classification: Uncertain significance. Last evaluated: 2024-10-29. Review status: criteria provided, single submitter. Criteria: Invitae Variant Classification Sherloc (09022015). Collection method: clinical testing. Allele origin: germline.
Comment: This sequence change replaces proline, which is neutral and non-polar, with serine, which is neutral and polar, at codon 120 of the MERTK protein (p.Pro120Ser). This variant is present in population databases (rs796928519, gnomAD 0.01%). This variant has not been reported in the literature in individuals affected with MERTK-related conditions. ClinVar contains an entry for this variant (Variation ID: 2038912). Invitae Evidence Modeling of protein sequence and biophysical properties (such as structural, functional, and spatial information, amino acid conservation, physicochemical variation, residue mobility, and thermodynamic stability) has been performed for this missense variant. However, the output from this modeling did not meet the statistical confidence thresholds required to predict the impact of this variant on MERTK protein function. Algorithms developed to predict the effect of sequence changes on RNA splicing suggest that this variant may create or strengthen a splice site. In summary, the available evidence is currently insufficient to determine the role of this variant in disease. Therefore, it has been classified as a Variant of Uncertain Significance.

NM_006343.3(MERTK):c.358C>T (p.Pro120Ser)

Gene: MERTK (MER proto-oncogene, tyrosine kinase; plus strand). Cytogenetic location: 2q13.
Variant type: single nucleotide variant.
Coding change: c.358C>T on transcript NM_006343.3 (MANE Select); coding-DNA position 358, C replaced by T.
Protein change: p.Pro120Ser; replaces proline 120 with serine.
Molecular consequence: missense variant.
Genome position (GRCh38, 1-based): chr2:111,929,416, C>T. VCF-style: chr2-111929416-C-T. GRCh37 (hg19) VCF-style: chr2-112686993-C-T.
Other names: short protein forms P120S.
Identifiers: ClinVar variation 2038912 (VCV002038912.4), dbSNP rs796928519, ClinGen allele CA53561317.
Genomic context (GRCh38, chr2:111,929,416, plus strand): 5'-GTTGGACACATAATACTTTCTGAACATAAAGGTGTCAAATTTAATTGCTCAATCAGTGTA[C>T]CTAATATATACCAGGACACCACAATTTCTTGGTGGAAAGATGGGAAGGAATTGCTTGGGG-3'
Protein context (NP_006334.2, residues 110-130): GVKFNCSISV[Pro120Ser]NIYQDTTISW